The following is an entry in ClinVar:

NM_182515.4(ZNF714):c.729C>T (p.His243=)

Gene: ZNF714 (zinc finger protein 714; plus strand). Cytogenetic location: 19p12.
Variant type: single nucleotide variant.
Coding change: c.729C>T on transcript NM_182515.4 (MANE Select); coding-DNA position 729, C replaced by T.
Protein change: p.His243=; no amino-acid change (histidine 243 retained).
Molecular consequence: synonymous variant. On other transcripts: non-coding transcript variant (2).
Genome position (GRCh38, 1-based): chr19:21,117,393, C>T. VCF-style: chr19-21117393-C-T. GRCh37 (hg19) VCF-style: chr19-21300196-C-T.
Identifiers: ClinVar variation 4873597 (VCV004873597.2).

ClinVar aggregate classification (germline): Likely benign (1 of 4 stars; one submission).

Submission:

CeGaT Center for Human Genetics Tuebingen
Classification: Likely benign. Last evaluated: 2026-06-01. Review status: criteria provided, single submitter. Criteria: CeGaT Center For Human Genetics Tuebingen Variant Classification Criteria Version 2. Collection method: clinical testing. Allele origin: germline. Affected: yes. Observed: 1 variant allele.
Comment: ZNF714: PM2:Supporting, BP4, BP7